The following is an entry in ClinVar:

ClinVar aggregate classification (germline): Benign/Likely benign. Review status: criteria provided, multiple submitters, no conflicts (2 of 4 stars). 2 submissions from 2 submitters: Benign (1); Likely benign (1). Last evaluated 2026-05-11.

Conditions:
Familial cancer of breast. Also called: BREAST CANCER, FAMILIAL; Hereditary breast cancer; hereditary breast carcinoma. Identifiers: Orphanet 227535, MedGen C0346153, MONDO:0016419, OMIM 114480. Disease mechanism: loss of function.
Hereditary cancer-predisposing syndrome. Also called: Neoplastic Syndromes, Hereditary; Tumor predisposition; Hereditary Cancer Syndrome; Hereditary neoplastic syndrome. Identifiers: Orphanet 140162, MedGen C0027672, MeSH D009386, MONDO:0015356.

gnomAD v4.1: 1 of 1,613,934 alleles (0.000062%); highest among the groups gnomAD compares: Non-Finnish European, 0.000085%; no homozygotes.

Submissions (2):

Ambry Genetics
Classification: Likely benign for Hereditary cancer-predisposing syndrome. Last evaluated: 2026-05-11. Review status: criteria provided, single submitter. Criteria: Ambry Variant Classification Scheme 2023. Collection method: clinical testing. Allele origin: germline.

Myriad Genetics, Inc.
Classification: Benign for Familial cancer of breast. Last evaluated: 2024-07-25. Review status: criteria provided, single submitter. Criteria: Myriad Autosomal Dominant, Autosomal Recessive and X-Linked Classification Criteria (2023). Collection method: clinical testing. Allele origin: unknown.
Comment: This variant is considered benign. This variant is a silent/synonymous amino acid change and it is not expected to impact splicing.

NM_000465.4(BARD1):c.1536G>A (p.Leu512=)

Gene: BARD1 (BRCA1 associated RING domain 1; minus strand). Cytogenetic location: 2q35.
Variant type: single nucleotide variant.
Coding change: c.1536G>A on transcript NM_000465.4 (MANE Select); coding-DNA position 1536, G replaced by A.
Protein change: p.Leu512=; no amino-acid change (leucine 512 retained).
Molecular consequence: synonymous variant. On other transcripts: non-coding transcript variant (3), intron variant (3).
Genome position (GRCh38, 1-based): chr2:214,767,514, C>T on the plus strand (G>A on the coding strand, the complement: BARD1 is on the minus strand). VCF-style: chr2-214767514-C-T. GRCh37 (hg19) VCF-style: chr2-215632238-C-T.
Other names: c.1536G>A (NM_000465.2); c.159-14959G>A (NM_001282548.2); c.216-14959G>A (NM_001282545.2); c.364+24783G>A (NM_001282549.2); c.1479G>A, p.Leu493= (NM_001282543.2).
Identifiers: ClinVar variation 3378790 (VCV003378790.2).